The following is an entry in ClinVar:

ClinVar aggregate classification (germline): Uncertain significance (1 of 4 stars; one submission).

Conditions:
Hereditary cancer-predisposing syndrome. Also called: Tumor predisposition; Hereditary neoplastic syndrome; Neoplastic Syndromes, Hereditary; Hereditary Cancer Syndrome. Identifiers: Orphanet 140162, MedGen C0027672, MeSH D009386, MONDO:0015356.

Submission:

Ambry Genetics
Classification: Uncertain significance for Hereditary cancer-predisposing syndrome. Last evaluated: 2025-04-21. Review status: criteria provided, single submitter. Criteria: Ambry Variant Classification Scheme 2023. Collection method: clinical testing. Allele origin: germline.
Comment: The p.I298T variant (also known as c.893T>C), located in coding exon 6 of the DICER1 gene, results from a T to C substitution at nucleotide position 893. The isoleucine at codon 298 is replaced by threonine, an amino acid with similar properties. This amino acid position is conserved. In addition, the in silico prediction for this alteration is inconclusive. Based on the available evidence, the clinical significance of this variant remains unclear.

NM_177438.3(DICER1):c.893T>C (p.Ile298Thr)

Gene: DICER1 (dicer 1, ribonuclease III; minus strand). Cytogenetic location: 14q32.13.
Variant type: single nucleotide variant.
Coding change: c.893T>C on transcript NM_177438.3 (MANE Select); coding-DNA position 893, T replaced by C.
Protein change: p.Ile298Thr; replaces isoleucine 298 with threonine.
Molecular consequence: missense variant. On other transcripts: 5 prime UTR variant (1), non-coding transcript variant (6).
Genome position (GRCh38, 1-based): chr14:95,126,590, A>G on the plus strand (T>C on the coding strand, the complement: DICER1 is on the minus strand). VCF-style: chr14-95126590-A-G. GRCh37 (hg19) VCF-style: chr14-95592927-A-G.
Other names: c.893T>C, p.Ile298Thr (NM_001195573.1, NM_001271282.3, NM_001291628.2 and 14 more transcripts); c.611T>C, p.Ile204Thr (NM_001395686.1); c.488T>C, p.Ile163Thr (NM_001395687.1, NM_001395688.1, NM_001395689.1 and 3 more transcripts); c.326T>C, p.Ile109Thr (NM_001395691.1); c.-676T>C (NM_001395697.1); short protein forms I204T, I109T, I163T, I298T.
Identifiers: ClinVar variation 4011647 (VCV004011647.1).